The following is an entry in ClinVar:

NM_000257.4(MYH7):c.969T>C (p.Ile323=)

Gene: MYH7 (myosin heavy chain 7; minus strand). Cytogenetic location: 14q11.2.
Variant type: single nucleotide variant.
Coding change: c.969T>C on transcript NM_000257.4 (MANE Select); coding-DNA position 969, T replaced by C.
Protein change: p.Ile323=; no amino-acid change (isoleucine 323 retained).
Molecular consequence: synonymous variant.
Genome position (GRCh38, 1-based): chr14:23,430,590, A>G on the plus strand (T>C on the coding strand, the complement: MYH7 is on the minus strand). VCF-style: chr14-23430590-A-G. GRCh37 (hg19) VCF-style: chr14-23899799-A-G.
Identifiers: ClinVar variation 1581607 (VCV001581607.9), dbSNP rs730880861, ClinGen allele CA485626057.
Genomic context (GRCh38, chr14:23,430,590, plus strand): 5'-CACCCCCTGGCTGGGTCCTCACACACTCACATCAGTGGCCATGAGCTCCTCAGCGTCATC[A>G]ATGGAGGCCACGGTGGTCTCTCCTTGGGAGATGAATGCATAATCGTAGGGGTTGTTGGTG-3'
Protein context (NP_000248.2, residues 313-333): ISQGETTVAS[Ile323=]DDAEELMATD

ClinVar aggregate classification (germline): Likely benign. Review status: criteria provided, multiple submitters, no conflicts (2 of 4 stars). 2 submissions from 2 submitters: Likely benign (2). Last evaluated 2023-02-15.

Conditions:
Hypertrophic cardiomyopathy. Also called: HYPERTROPHIC MYOCARDIOPATHY. Identifiers: Orphanet 217569, MedGen C0007194, MeSH D002312, MONDO:0005045, HP:0001639.
Cardiomyopathy (CMYO). Also called: Cardiomyopathies. Identifiers: Orphanet 167848, MedGen C0878544, MONDO:0004994, HP:0001638. Inheritance: Various modes of inheritance.

gnomAD v4.1: 1 of 1,614,034 alleles (0.000062%); highest among the groups gnomAD compares: South Asian, 0.0011%; no homozygotes.

Submissions (2):

All of Us Research Program, National Institutes of Health
Classification: Likely benign for Cardiomyopathy. Last evaluated: 2023-02-15. Review status: criteria provided, single submitter. Criteria: ACMG Guidelines, 2015. Collection method: clinical testing. Allele origin: germline. Inheritance: Autosomal dominant inheritance. Observed: 1 variant allele, 1 heterozygote.
Comment: This study involves interpretation of variants in research participants for the purpose of population health screening. Participant phenotype was not available at the time of variant classification. Additional details can be found in publication PMID: 35346344, PMCID: PMC8962531

Labcorp Genetics (formerly Invitae), Labcorp
Classification: Likely benign for Hypertrophic cardiomyopathy. Last evaluated: 2021-11-10. Review status: criteria provided, single submitter. Criteria: Invitae Variant Classification Sherloc (09022015). Collection method: clinical testing. Allele origin: germline.